The following is an entry in ClinVar:

NM_001429.4(EP300):c.4444_4445dup (p.Asp1482fs)

Gene: EP300 (EP300 lysine acetyltransferase; plus strand). Cytogenetic location: 22q13.2.
Variant type: Duplication.
Coding change: c.4444_4445dup on transcript NM_001429.4 (MANE Select); coding-DNA positions 4444 to 4445, 2 bases duplicated (GA; older notation c.4444_4445dupGA).
Protein change: p.Asp1482fs; shifts the reading frame from aspartic acid 1482.
Molecular consequence: frameshift variant.
Genome position (GRCh38, 1-based): chr22:41,170,563-41,170,564, GA duplicated. VCF-style (leftmost placement, unchanged base first): chr22-41170562-T-TGA. GRCh37 (hg19) VCF-style: chr22-41566566-T-TGA.
Other names: c.4366_4367dup, p.Asp1456fs (NM_001362843.2); short protein forms D1482fs, D1456fs.
Identifiers: ClinVar variation 2135640 (VCV002135640.4), dbSNP rs2517824372, ClinGen allele CA2580099815.

ClinVar aggregate classification (germline): Pathogenic (1 of 4 stars; one submission).

Conditions:
Rubinstein-Taybi syndrome due to EP300 haploinsufficiency. Also called: EP300-Related Rubinstein-Taybi Syndrome; RUBINSTEIN-TAYBI SYNDROME 2. Identifiers: Orphanet 353284, Orphanet 783, MedGen C3150941, MONDO:0013364, OMIM 613684.

Submission:

Labcorp Genetics (formerly Invitae), Labcorp
Classification: Pathogenic for Rubinstein-Taybi syndrome due to EP300 haploinsufficiency. Last evaluated: 2025-02-17. Review status: criteria provided, single submitter. Criteria: Invitae Variant Classification Sherloc (09022015). Collection method: clinical testing. Allele origin: germline.
Comment: This sequence change creates a premature translational stop signal (p.Asp1482Glufs*15) in the EP300 gene. It is expected to result in an absent or disrupted protein product. Loss-of-function variants in EP300 are known to be pathogenic (PMID: 15706485, 24476420). This variant is not present in population databases (gnomAD no frequency). This variant has not been reported in the literature in individuals affected with EP300-related conditions. ClinVar contains an entry for this variant (Variation ID: 2135640). For these reasons, this variant has been classified as Pathogenic.

Literature cited by the submitters: PubMed 15706485; PubMed 24476420.